The following is an entry in ClinVar:

NM_000155.4(GALT):c.833T>C (p.Ile278Thr)

Gene: GALT (galactose-1-phosphate uridylyltransferase; plus strand). Cytogenetic location: 9p13.3.
Variant type: single nucleotide variant.
Coding change: c.833T>C on transcript NM_000155.4 (MANE Select); coding-DNA position 833, T replaced by C.
Protein change: p.Ile278Thr; replaces isoleucine 278 with threonine.
Molecular consequence: missense variant.
Genome position (GRCh38, 1-based): chr9:34,649,010, T>C. VCF-style: chr9-34649010-T-C. GRCh37 (hg19) VCF-style: chr9-34649007-T-C.
Other names: c.506T>C, p.Ile169Thr (NM_001258332.2); c.833T>C (NM_000155.2); short protein forms I278T, I169T.
Identifiers: ClinVar variation 500367 (VCV000500367.7), dbSNP rs111033778, ClinGen allele CA5036234.
Genomic context (GRCh38, chr9:34,649,010, plus strand): 5'-TAGGGTCAGCATCTGGACCCCAGGCTGAGAGTCAGGCTCTGATTCCAGATCTAGCCTCCA[T>C]CATGAAGAAGCTCTTGACCAAGTATGACAACCTCTTTGAGACGTCCTTTCCCTACTCCAT-3'
Protein context (NP_000146.2, residues 268-288): TPAERDDLAS[Ile278Thr]MKKLLTKYDN

ClinVar aggregate classification (germline): Uncertain significance. Review status: criteria provided, multiple submitters, no conflicts (2 of 4 stars). 3 submissions from 3 submitters: Uncertain significance (3). Last evaluated 2025-08-05.

Allele frequency attached by ClinVar (database versions not stated): gnomAD below 0.00001 and 0.00005; TOPMed 0.00001; ExAC 0.00007; gnomAD exomes 0.00007; 1000 Genomes Project 30x 0.00047; 1000 Genomes Project 0.00060.

Submissions (3):

GeneDx
Classification: Uncertain significance. Last evaluated: 2025-08-05. Review status: criteria provided, single submitter. Criteria: GeneDx Variant Classification Process June 2021. Collection method: clinical testing. Allele origin: germline. Affected: yes.
Comment: In silico analysis supports that this missense variant has a deleterious effect on protein structure/function; Has not been previously published as pathogenic or benign to our knowledge

Women's Health and Genetics/Laboratory Corporation of America, LabCorp
Classification: Uncertain significance. Last evaluated: 2022-05-26. Review status: criteria provided, single submitter. Criteria: LabCorp Variant Classification Summary - May 2015. Collection method: clinical testing. Allele origin: germline.

Eurofins Ntd Llc (ga)
Classification: Uncertain significance. Last evaluated: 2017-02-21. Review status: criteria provided, single submitter. Criteria: EGL Classification Definitions 2015. Collection method: clinical testing. Allele origin: germline. Observed: 1 variant allele, 1 heterozygote.